The following is an entry in ClinVar:

ClinVar aggregate classification (germline): Conflicting classifications of pathogenicity. Review status: criteria provided, conflicting classifications (1 of 4 stars). 4 submissions from 4 submitters: Uncertain significance (1); Benign (2); Likely benign (1). Last evaluated 2025-07-21.

Conditions:
Type 1 diabetes mellitus 20 (T1D20). Also called: Diabetes mellitus, insulin-dependent, 20. Identifiers: MedGen C2675866, MONDO:0012919, OMIM 612520.

Allele frequency attached by ClinVar (database versions not stated): TOPMed 0.00002; gnomAD 0.00004 and 0.00007; ExAC 0.00008; gnomAD exomes 0.00010 and 0.00007; 1000 Genomes Project 30x 0.00016; 1000 Genomes Project 0.00020.

Submissions (4):

Labcorp Genetics (formerly Invitae), Labcorp
Classification: Benign. Last evaluated: 2025-07-21. Review status: criteria provided, single submitter. Criteria: Invitae Variant Classification Sherloc (09022015). Collection method: clinical testing. Allele origin: germline.

Women's Health and Genetics/Laboratory Corporation of America, LabCorp
Classification: Benign. Last evaluated: 2025-01-08. Review status: criteria provided, single submitter. Criteria: LabCorp Variant Classification Summary - May 2015. Collection method: clinical testing. Allele origin: germline.
Comment: Variant summary: HNF1A c.1624-15G>A alters a nucleotide located at a position not widely known to affect splicing. Consensus agreement among computation tools predict no significant impact on normal splicing. However, these predictions have yet to be confirmed by functional studies. The variant allele was found at a frequency of 7.2e-05 in 250612 control chromosomes, predominantly at a frequency of 0.00093 within the East Asian subpopulation in the gnomAD database. The observed variant frequency within East Asian control individuals in the gnomAD database is approximately 37 fold of the estimated maximal expected allele frequency for a pathogenic variant in HNF1A causing Maturity Onset Diabetes Of The Young 3 phenotype (2.5e-05). To our knowledge, no experimental evidence demonstrating an impact on protein function has been reported. ClinVar contains an entry for this variant (Variation ID: 36806). Based on the evidence outlined above, the variant was classified as benign.

Baylor Genetics
Classification: Uncertain significance for Type 1 diabetes mellitus 20. Last evaluated: 2020-02-23. Review status: criteria provided, single submitter. Criteria: ACMG Guidelines, 2015. Collection method: clinical testing. Allele origin: maternal. Affected: yes. Study: CSER-TexasKidsCanSeq.
Comment: This variant was determined to be of uncertain significance according to ACMG Guidelines, 2015 [PMID:25741868].

GeneDx
Classification: Likely benign. Last evaluated: 2016-06-30. Review status: criteria provided, single submitter. Criteria: GeneDx Variant Classification (06012015). Collection method: clinical testing. Allele origin: germline. Affected: yes.
Comment: This variant is considered likely benign or benign based on one or more of the following criteria: it is a conservative change, it occurs at a poorly conserved position in the protein, it is predicted to be benign by multiple in silico algorithms, and/or has population frequency not consistent with disease.

Literature cited by the submitters: PubMed 11058894 (cited by Women's Health and Genetics/Laboratory Corporation of America, LabCorp).

NM_000545.8(HNF1A):c.1624-15G>A

Gene: HNF1A (HNF1 homeobox A; plus strand). Cytogenetic location: 12q24.31.
Variant type: single nucleotide variant.
Coding change: c.1624-15G>A on transcript NM_000545.8 (MANE Select); 15 bases into the intron before coding-DNA position 1624, G replaced by A.
Molecular consequence: intron variant. On other transcripts: missense variant (1).
Genome position (GRCh38, 1-based): chr12:120,999,468, G>A. VCF-style: chr12-120999468-G-A. GRCh37 (hg19) VCF-style: chr12-121437271-G-A.
Other names: c.1630G>A, p.Ala544Thr (NM_001306179.2); short protein forms A544T.
Identifiers: ClinVar variation 36806 (VCV000036806.10), dbSNP rs193922585, ClinGen allele CA214277.